The following is an entry in ClinVar:

NM_001267550.2(TTN):c.4092_4097del (p.Phe1365_Ala1366del)

Genes: TTN (titin; minus strand), LOC101927055 (uncharacterized LOC101927055; plus strand). Cytogenetic location: 2q31.2.
Variant type: Deletion.
Coding change: c.4092_4097del on transcript NM_001267550.2 (MANE Select); coding-DNA positions 4092 to 4097, 6 bases deleted (ATTTGC; older notation c.4092_4097delATTTGC).
Protein change: p.Phe1365_Ala1366del.
Molecular consequence: inframe deletion.
Genome position (GRCh38, 1-based): chr2:178,778,985-178,778,990, GCAAAT deleted on the plus strand (ATTTGC on the coding strand, the reverse complement: TTN is on the minus strand); deleting any 6 consecutive bases within chr2:178,778,985-178,778,993 gives the same sequence; the c. name uses the placement nearest the transcript's 3' end. VCF-style (leftmost placement, unchanged base first): chr2-178778984-GGCAAAT-G. GRCh37 (hg19) VCF-style: chr2-179643711-GGCAAAT-G.
Other names: c.4092_4097del, p.Phe1365_Ala1366del (NM_001256850.1, NM_133378.4, NM_133379.5); c.3954_3959del, p.Phe1319_Ala1320del (NM_003319.4, NM_133432.3, NM_133437.4); c.3954_3959delATTTGC (NM_003319.4).
Identifiers: ClinVar variation 1736461 (VCV001736461.2), dbSNP rs2533071155, ClinGen allele CA2580065165.

ClinVar aggregate classification (germline): Uncertain significance (1 of 4 stars; one submission).

Conditions:
Cardiovascular phenotype. Identifiers: MedGen CN230736.

Submission:

Ambry Genetics
Classification: Uncertain significance for Cardiovascular phenotype. Last evaluated: 2022-03-14. Review status: criteria provided, single submitter. Criteria: Ambry Variant Classification Scheme 2023. Collection method: clinical testing. Allele origin: germline.
Comment: The c.3954_3959delATTTGC variant (also known as p.F1319_A1320del) is located in coding exon 22 of the TTN gene. This variant results from an in-frame ATTTGC deletion at nucleotide positions 3954 to 3959. This results in the in-frame deletion of a phenylalanine and alanine at codons 1319 to 1320. These amino acid positions are highly conserved in available vertebrate species. In addition, this alteration is predicted to be deleterious by in silico analysis (Choi Y et al. PLoS ONE. 2012; 7(10):e46688). Since supporting evidence is limited at this time, the clinical significance of this alteration remains unclear.